The following is an entry in ClinVar:

ClinVar aggregate classification (germline): Conflicting classifications of pathogenicity. Review status: criteria provided, conflicting classifications (1 of 4 stars). 5 submissions from 5 submitters: Uncertain significance (4); Likely benign (1). Last evaluated 2025-01-08.

Conditions:
Hereditary cancer-predisposing syndrome. Also called: Tumor predisposition; Hereditary Cancer Syndrome; Hereditary neoplastic syndrome; Neoplastic Syndromes, Hereditary. Identifiers: Orphanet 140162, MedGen C0027672, MeSH D009386, MONDO:0015356.
Hereditary breast ovarian cancer syndrome. Also called: Breast and ovarian cancer; Hereditary breast and ovarian cancer; Hereditary breast and/or ovarian cancer syndrome; BRCA1- and BRCA2-Associated Hereditary Breast and Ovarian Cancer; Hereditary breast and ovarian cancer syndrome (HBOC); Hereditary breast and ovarian cancer syndrome. Identifiers: Orphanet 145, MedGen C0677776, MeSH D061325, MONDO:0003582. Disease mechanism: loss of function.

Allele frequency attached by ClinVar (database versions not stated): gnomAD exomes below 0.00001; gnomAD 0.00001; 1000 Genomes Project 30x 0.00016.

Submissions (5):

Ambry Genetics
Classification: Uncertain significance for Hereditary cancer-predisposing syndrome. Last evaluated: 2025-01-08. Review status: criteria provided, single submitter. Criteria: Ambry Variant Classification Scheme 2023. Collection method: clinical testing. Allele origin: germline.
Comment: The p.E443D variant (also known as c.1329G>T), located in coding exon 9 of the BRCA2 gene, results from a G to T substitution at nucleotide position 1329. The glutamic acid at codon 443 is replaced by aspartic acid, an amino acid with highly similar properties. This amino acid position is well conserved in available vertebrate species. In addition, this alteration is predicted to be tolerated by in silico analysis. Since supporting evidence is limited at this time, the clinical significance of this alteration remains unclear.

Labcorp Genetics (formerly Invitae), Labcorp
Classification: Uncertain significance for Hereditary breast ovarian cancer syndrome. Last evaluated: 2024-11-26. Review status: criteria provided, single submitter. Criteria: Invitae Variant Classification Sherloc (09022015). Collection method: clinical testing. Allele origin: germline.
Comment: This sequence change replaces glutamic acid, which is acidic and polar, with aspartic acid, which is acidic and polar, at codon 443 of the BRCA2 protein (p.Glu443Asp). This variant is present in population databases (rs73169186, gnomAD 0.0009%). This variant has not been reported in the literature in individuals affected with BRCA2-related conditions. ClinVar contains an entry for this variant (Variation ID: 183064). Invitae Evidence Modeling of protein sequence and biophysical properties (such as structural, functional, and spatial information, amino acid conservation, physicochemical variation, residue mobility, and thermodynamic stability) indicates that this missense variant is not expected to disrupt BRCA2 protein function with a negative predictive value of 95%. In summary, the available evidence is currently insufficient to determine the role of this variant in disease. Therefore, it has been classified as a Variant of Uncertain Significance.

Color Diagnostics, LLC DBA Color Health
Classification: Uncertain significance for Hereditary cancer-predisposing syndrome. Last evaluated: 2024-06-17. Review status: criteria provided, single submitter. Criteria: ACMG Guidelines, 2015. Collection method: clinical testing. Allele origin: germline.
Comment: This missense variant replaces glutamic acid with aspartic acid at codon 443 of the BRCA2 protein. Computational prediction suggests that this variant may not impact protein structure and function (internally defined REVEL score threshold <= 0.5, PMID: 27666373). To our knowledge, functional studies have not been reported for this variant. This variant has not been reported in individuals affected with BRCA2-related disorders in the literature. This variant has been identified in 1/247472 chromosomes in the general population by the Genome Aggregation Database (gnomAD). The available evidence is insufficient to determine the role of this variant in disease conclusively. Therefore, this variant is classified as a Variant of Uncertain Significance.

University of Washington Department of Laboratory Medicine, University of Washington
Classification: Likely benign for Hereditary cancer-predisposing syndrome. Last evaluated: 2023-03-23. Review status: criteria provided, single submitter. Criteria: Dines et al. (Genet Med. 2020). Collection method: curation. Allele origin: germline.
Comment: Missense variant in a coldspot region where missense variants are very unlikely to be pathogenic (PMID:31911673).

BRCA2 exon 10 coldspot. Reclassification based on statistical prior probability.

Breakthrough Genomics
Classification: Uncertain significance. Review status: criteria provided, single submitter. Criteria: ACMG Guidelines, 2015. Collection method: not provided. Allele origin: germline. Inheritance: Autosomal recessive inheritance. Affected: yes.

NM_000059.4(BRCA2):c.1329G>T (p.Glu443Asp)

Gene: BRCA2 (BRCA2 DNA repair associated; plus strand). Cytogenetic location: 13q13.1.
Variant type: single nucleotide variant.
Coding change: c.1329G>T on transcript NM_000059.4 (MANE Select); coding-DNA position 1329, G replaced by T.
Protein change: p.Glu443Asp; replaces glutamic acid 443 with aspartic acid.
Molecular consequence: missense variant.
Genome position (GRCh38, 1-based): chr13:32,332,807, G>T. VCF-style: chr13-32332807-G-T. GRCh37 (hg19) VCF-style: chr13-32906944-G-T.
Other names: short protein forms E443D.
Identifiers: ClinVar variation 183064 (VCV000183064.21), dbSNP rs73169186, ClinGen allele CA011632.